The following is an entry in ClinVar:

NM_000334.4(SCN4A):c.1633C>T (p.Pro545Ser)

Gene: SCN4A (sodium voltage-gated channel alpha subunit 4; minus strand). Cytogenetic location: 17q23.3.
Variant type: single nucleotide variant.
Coding change: c.1633C>T on transcript NM_000334.4 (MANE Select); coding-DNA position 1633, C replaced by T.
Protein change: p.Pro545Ser; replaces proline 545 with serine.
Molecular consequence: missense variant.
Genome position (GRCh38, 1-based): chr17:63,961,405, G>A on the plus strand (C>T on the coding strand, the complement: SCN4A is on the minus strand). VCF-style: chr17-63961405-G-A. GRCh37 (hg19) VCF-style: chr17-62038765-G-A.
Other names: short protein forms P545S.
Identifiers: ClinVar variation 4774364 (VCV004774364.1).

ClinVar aggregate classification (germline): Uncertain significance (1 of 4 stars; one submission).

Conditions:
Hyperkalemic periodic paralysis. Also called: Familial hyperkalemic periodic paralysis; Gamstorp disease. Identifiers: Orphanet 682, MedGen C0238357, MONDO:0008224, OMIM 170500, HP:0007215.

Submission:

Labcorp Genetics (formerly Invitae), Labcorp
Classification: Uncertain significance for Hyperkalemic periodic paralysis. Last evaluated: 2025-06-18. Review status: criteria provided, single submitter. Criteria: Invitae Variant Classification Sherloc (09022015). Collection method: clinical testing. Allele origin: germline.
Comment: This sequence change replaces proline, which is neutral and non-polar, with serine, which is neutral and polar, at codon 545 of the SCN4A protein (p.Pro545Ser). This variant is not present in population databases (gnomAD no frequency). This variant has not been reported in the literature in individuals affected with SCN4A-related conditions. Invitae Evidence Modeling of protein sequence and biophysical properties (such as structural, functional, and spatial information, amino acid conservation, physicochemical variation, residue mobility, and thermodynamic stability) has been performed for this missense variant. However, the output from this modeling did not meet the statistical confidence thresholds required to predict the impact of this variant on SCN4A protein function. In summary, the available evidence is currently insufficient to determine the role of this variant in disease. Therefore, it has been classified as a Variant of Uncertain Significance.